The following is an entry in ClinVar:

NM_001077350.3(NPRL3):c.1040C>T (p.Pro347Leu)

Genes: HBA-LCR (alpha-globin locus control region; plus strand), NPRL3 (NPR3 like, GATOR1 complex subunit; minus strand). Cytogenetic location: 16p13.3.
Variant type: single nucleotide variant.
Coding change: c.1040C>T on transcript NM_001077350.3 (MANE Select); coding-DNA position 1040, C replaced by T.
Protein change: p.Pro347Leu; replaces proline 347 with leucine.
Molecular consequence: missense variant.
Genome position (GRCh38, 1-based): chr16:92,717, G>A on the plus strand (C>T on the coding strand, the complement: NPRL3 is on the minus strand). VCF-style: chr16-92717-G-A. GRCh37 (hg19) VCF-style: chr16-142715-G-A.
Other names: c.503C>T, p.Pro168Leu (NM_001039476.3); c.806C>T, p.Pro269Leu (NM_001243247.2); c.965C>T, p.Pro322Leu (NM_001243248.2, NM_001243249.2); c.1040C>T (NM_001077350.2); short protein forms P347L, P168L, P269L, P322L.
Identifiers: ClinVar variation 1904857 (VCV001904857.6), dbSNP rs755232774, ClinGen allele CA7769461.

ClinVar aggregate classification (germline): Uncertain significance. Review status: criteria provided, multiple submitters, no conflicts (2 of 4 stars). 2 submissions from 2 submitters: Uncertain significance (2). Last evaluated 2024-07-31.

Conditions:
Epilepsy, familial focal, with variable foci 3 (FFEVF3). Identifiers: MedGen C4310708, MONDO:0014925, OMIM 617118.

Allele frequency attached by ClinVar (database versions not stated): ExAC 0.00001; TOPMed 0.00001; gnomAD exomes 0.00002.
gnomAD v4.1: 25 of 1,613,466 alleles (0.0015%); highest among the groups gnomAD compares: South Asian, 0.014%; no homozygotes.

Submissions (2):

Labcorp Genetics (formerly Invitae), Labcorp
Classification: Uncertain significance for Epilepsy, familial focal, with variable foci 3. Last evaluated: 2024-07-31. Review status: criteria provided, single submitter. Criteria: Invitae Variant Classification Sherloc (09022015). Collection method: clinical testing. Allele origin: germline.
Comment: This sequence change replaces proline, which is neutral and non-polar, with leucine, which is neutral and non-polar, at codon 347 of the NPRL3 protein (p.Pro347Leu). This variant is present in population databases (rs755232774, gnomAD 0.01%). This missense change has been observed in individual(s) with clinical features of NPRL3-related conditions (Invitae). ClinVar contains an entry for this variant (Variation ID: 1904857). Advanced modeling of protein sequence and biophysical properties (such as structural, functional, and spatial information, amino acid conservation, physicochemical variation, residue mobility, and thermodynamic stability) performed at Invitae indicates that this missense variant is not expected to disrupt NPRL3 protein function with a negative predictive value of 80%. In summary, the available evidence is currently insufficient to determine the role of this variant in disease. Therefore, it has been classified as a Variant of Uncertain Significance.

GeneDx
Classification: Uncertain significance. Last evaluated: 2022-09-16. Review status: criteria provided, single submitter. Criteria: GeneDx Variant Classification Process June 2021. Collection method: clinical testing. Allele origin: germline. Affected: yes.
Comment: In silico analysis supports that this missense variant has a deleterious effect on protein structure/function; Has not been previously published as pathogenic or benign to our knowledge